The following is an entry in ClinVar:

ClinVar aggregate classification (germline): Conflicting classifications of pathogenicity. Review status: criteria provided, conflicting classifications (1 of 4 stars). 5 submissions from 5 submitters: Uncertain significance (1); Benign (1). 3 of the submissions do not count toward it. Last evaluated 2026-01-28.

Conditions:
Mucopolysaccharidosis type 6 (MPS6). Also called: ARSB DEFICIENCY; ARYLSULFATASE B DEFICIENCY; MPS VI; N-ACETYLGALACTOSAMINE-4-SULFATASE DEFICIENCY; MPS 6; Maroteaux Lamy syndrome. Identifiers: Orphanet 583, MedGen C0026709, MONDO:0009661, OMIM 253200.
ARSB-related disorder. Also called: ARSB-related condition.

Allele frequency attached by ClinVar (database versions not stated): gnomAD exomes 0.00033; ExAC 0.00075; gnomAD 0.00097 and 0.00101; TOPMed 0.00128; 1000 Genomes Project 30x 0.00156; 1000 Genomes Project 0.00180.
gnomAD v4.1: 330 of 1,440,718 alleles (0.023%); highest among the groups gnomAD compares: African/African-American, 0.36%; 2 homozygotes.

Submissions (5):

Labcorp Genetics (formerly Invitae), Labcorp
Classification: Benign for Mucopolysaccharidosis type 6. Last evaluated: 2026-01-28. Review status: criteria provided, single submitter. Criteria: Invitae Variant Classification Sherloc (09022015). Collection method: clinical testing. Allele origin: germline.

Illumina Laboratory Services, Illumina
Classification: Uncertain significance for Mucopolysaccharidosis type 6. Last evaluated: 2018-01-13. Review status: criteria provided, single submitter. Criteria: ICSL Variant Classification Criteria 13 December 2019. Collection method: clinical testing. Allele origin: germline.

Natera, Inc.
Classification: Likely benign for Mucopolysaccharidosis type VI. Last evaluated: 2020-06-04. Review status: no assertion criteria provided. Collection method: clinical testing. Allele origin: germline. Not counted in ClinVar's aggregate classification.

PreventionGenetics, part of Exact Sciences
Classification: Likely benign for ARSB-related condition. Last evaluated: 2019-08-16. Review status: no assertion criteria provided. Collection method: clinical testing. Allele origin: germline. Not counted in ClinVar's aggregate classification.
Comment: This variant is classified as likely benign based on ACMG/AMP sequence variant interpretation guidelines (Richards et al. 2015 PMID: 25741868, with internal and published modifications).

Mayo Clinic Laboratories, Mayo Clinic
Classification: Likely benign. Last evaluated: 2017-11-03. Review status: no assertion criteria provided. Collection method: clinical testing. Allele origin: unknown. Not counted in ClinVar's aggregate classification.

NM_000046.5(ARSB):c.82C>T (p.Leu28=)

Genes: ARSB (arylsulfatase B; minus strand), LOC129994126 (ATAC-STARR-seq lymphoblastoid silent region 16127; plus strand). Cytogenetic location: 5q14.1.
Variant type: single nucleotide variant.
Coding change: c.82C>T on transcript NM_000046.5 (MANE Select); coding-DNA position 82, C replaced by T.
Protein change: p.Leu28=; no amino-acid change (leucine 28 retained).
Molecular consequence: synonymous variant.
Genome position (GRCh38, 1-based): chr5:78,985,167, G>A on the plus strand (C>T on the coding strand, the complement: ARSB is on the minus strand). VCF-style: chr5-78985167-G-A. GRCh37 (hg19) VCF-style: chr5-78280990-G-A.
Other names: c.82C>T, p.Leu28= (NM_198709.3).
Identifiers: ClinVar variation 354315 (VCV000354315.23), dbSNP rs138587718, ClinGen allele CA3318367.
Genomic context (GRCh38, chr5:78,985,167, plus strand): 5'-CCAGGTGGGGCGGCCGGCTGGCCCCGGCGCCCGAGCCCGGCGGCGCCAACAACAGCAGCA[G>A]CAGCAGCGGGAGGACGACGGGGAGGAGCAGCCGCCGAGGTCCGGGGCCTCGGGGCAAGCT-3'
Protein context (NP_000037.2, residues 18-38): LLLPVVLPLL[Leu28=]LLLLAPPGSG